The following is an entry in ClinVar:

ClinVar aggregate classification (germline): Pathogenic. Review status: criteria provided, multiple submitters, no conflicts (2 of 4 stars). 3 submissions from 3 submitters: Pathogenic (3). Last evaluated 2025-10-29.

Conditions:
Birt-Hogg-Dube syndrome. Also called: Birt Hogg Dubé syndrome. Identifiers: Orphanet 122, MedGen C0346010, MONDO:0800444.
Birt-Hogg-Dube syndrome 1 (BHD1). Also called: FIBROFOLLICULOMAS WITH TRICHODISCOMAS AND ACROCHORDONS. Identifiers: Orphanet 122, MedGen CN375946, MONDO:0800445, OMIM 135150.
Hereditary cancer-predisposing syndrome. Also called: Neoplastic Syndromes, Hereditary; Hereditary neoplastic syndrome; Tumor predisposition; Hereditary Cancer Syndrome. Identifiers: Orphanet 140162, MedGen C0027672, MeSH D009386, MONDO:0015356.

Submissions (3):

Labcorp Genetics (formerly Invitae), Labcorp
Classification: Pathogenic for Birt-Hogg-Dube syndrome. Last evaluated: 2025-10-29. Review status: criteria provided, single submitter. Criteria: Invitae Variant Classification Sherloc (09022015). Collection method: clinical testing. Allele origin: germline.
Comment: This sequence change creates a premature translational stop signal (p.Ile141Hisfs*6) in the FLCN gene. It is expected to result in an absent or disrupted protein product. Loss-of-function variants in FLCN are known to be pathogenic (PMID: 15852235). This variant is not present in population databases (gnomAD no frequency). This variant has not been reported in the literature in individuals affected with FLCN-related conditions. ClinVar contains an entry for this variant (Variation ID: 845558). For these reasons, this variant has been classified as Pathogenic.

Myriad Genetics, Inc.
Classification: Pathogenic for Birt-Hogg-Dube syndrome 1. Last evaluated: 2025-10-21. Review status: criteria provided, single submitter. Criteria: Myriad Autosomal Dominant, Autosomal Recessive and X-Linked Classification Criteria (2023). Collection method: clinical testing. Allele origin: unknown.
Comment: This variant is considered pathogenic. This variant creates a frameshift predicted to result in premature protein truncation.

Ambry Genetics
Classification: Pathogenic for Hereditary cancer-predisposing syndrome. Last evaluated: 2024-01-05. Review status: criteria provided, single submitter. Criteria: Ambry Variant Classification Scheme 2023. Collection method: clinical testing. Allele origin: germline.
Comment: The c.420dupC pathogenic mutation, located in coding exon 3 of the FLCN gene, results from a duplication of C at nucleotide position 420, causing a translational frameshift with a predicted alternate stop codon (p.I141Hfs*6). This variant (also sometimes reported as c.875delC in the literature) has been identified in at least one individual with a clinical diagnosis of Birt-Hogg-Dube syndrome (van Steensel MA et al. J Invest Dermatol, 2007 Mar;127:588-93; Leter EM et al. J Invest Dermatol, 2008 Jan;128:45-9; Houweling AC et al. Br J Cancer. 2011 Dec;105(12):1912-9). This variant is considered to be rare based on population cohorts in the Genome Aggregation Database (gnomAD). This alteration is expected to result in loss of function by premature protein truncation or nonsense-mediated mRNA decay. As such, this alteration is interpreted as a disease-causing mutation.

Literature cited by the submitters: PubMed 15852235 (cited by Labcorp Genetics (formerly Invitae), Labcorp); PubMed 17124507 (cited by Ambry Genetics); PubMed 17611575 (cited by Ambry Genetics); PubMed 22146830 (cited by Ambry Genetics).

NM_144997.7(FLCN):c.420dup (p.Ile141fs)

Gene: FLCN (folliculin; minus strand). Cytogenetic location: 17p11.2.
Variant type: Duplication.
Coding change: c.420dup on transcript NM_144997.7 (MANE Select); coding-DNA position 420, one base duplicated (C; older notation c.420dupC).
Protein change: p.Ile141fs; shifts the reading frame from isoleucine 141.
Molecular consequence: frameshift variant.
Genome position (GRCh38, 1-based): chr17:17,224,120, G duplicated on the plus strand (C on the coding strand, the reverse complement: FLCN is on the minus strand); the first of 4 consecutive G bases (chr17:17,224,120-17,224,123); duplicating any one gives the same sequence. VCF-style (leftmost placement, unchanged base first): chr17-17224119-T-TG. GRCh37 (hg19) VCF-style: chr17-17127433-T-TG.
Other names: c.474dup, p.Ile159fs (NM_001353229.2); c.420dup, p.Ile141fs (NM_001353230.2, NM_001353231.2, NM_144606.7); c.420dupC (NM_144997.5); short protein forms I141fs, I159fs.
Identifiers: ClinVar variation 845558 (VCV000845558.9), dbSNP rs2047181267, ClinGen allele CA916081875.